The following is an entry in ClinVar:

NM_014425.5(INVS):c.286T>C (p.Phe96Leu)

Gene: INVS (inversin; plus strand). Cytogenetic location: 9q31.1.
Variant type: single nucleotide variant.
Coding change: c.286T>C on transcript NM_014425.5 (MANE Select); coding-DNA position 286, T replaced by C.
Protein change: p.Phe96Leu; replaces phenylalanine 96 with leucine.
Molecular consequence: missense variant. On other transcripts: 5 prime UTR variant (2), non-coding transcript variant (1).
Genome position (GRCh38, 1-based): chr9:100,226,074, T>C. VCF-style: chr9-100226074-T-C. GRCh37 (hg19) VCF-style: chr9-102988356-T-C.
Other names: c.286T>C (NM_014425.4, NM_014425.2); c.-3T>C (NM_001318381.2); c.-704T>C (NM_001318382.2); short protein forms F96L.
Identifiers: ClinVar variation 912980 (VCV000912980.9), dbSNP rs375188577, ClinGen allele CA5158134.
Genomic context (GRCh38, chr9:100,226,074, plus strand): 5'-TGACCCCATAGTACATTTTTTTCTTATCATCTCTTGTTTTTTATTTAGGGAAATTATCGT[T>C]TCATGAAACTCTTACTTACACGCAGAGCAAACTGGATGCAAAAGGATCTGGAAGAGATGA-3'
Protein context (NP_055240.2, residues 86-106): HLAAQKGNYR[Phe96Leu]MKLLLTRRAN

ClinVar aggregate classification (germline): Uncertain significance. Review status: criteria provided, multiple submitters, no conflicts (2 of 4 stars). 5 submissions from 5 submitters: Uncertain significance (5). Last evaluated 2025-10-15.

Conditions:
Inborn genetic diseases. Identifiers: MedGen C0950123, MeSH D030342.
INVS-related disorder. Also called: INVS-related condition.
Infantile nephronophthisis (NPHP2). Also called: Nephronophthisis 2; Nephronophthisis 2, infantile. Identifiers: Orphanet 655, Orphanet 93591, MedGen C1865872, MONDO:0011190, OMIM 602088.
Nephronophthisis. Also called: Juvenile Nephronophthisis. Identifiers: Orphanet 655, MedGen C0687120, MONDO:0019005, HP:0000090.

Allele frequency attached by ClinVar (database versions not stated): gnomAD exomes 0.00002 and 0.00003; gnomAD 0.00003 and 0.00004; TOPMed 0.00003; ExAC 0.00007; ESP Exome Variant Server 0.00008.
gnomAD v4.1: 39 of 1,612,394 alleles (0.0024%); highest among the groups gnomAD compares: Middle Eastern, 0.016%; no homozygotes.

Submissions (5):

PreventionGenetics, part of Exact Sciences
Classification: Uncertain significance for INVS-related condition. Last evaluated: 2025-10-15. Review status: criteria provided, single submitter. Criteria: ACMG Guidelines, 2015. Collection method: clinical testing. Allele origin: germline.
Comment: The INVS c.286T>C variant is predicted to result in the amino acid substitution p.Phe96Leu. To our knowledge, this variant has not been reported in the literature. This variant is reported in 0.0062% of alleles in individuals of European (Non-Finnish) descent in gnomAD. At this time, the clinical significance of this variant is uncertain due to the absence of conclusive functional and genetic evidence.

Fulgent Genetics
Classification: Uncertain significance for Infantile nephronophthisis. Last evaluated: 2024-06-12. Review status: criteria provided, single submitter. Criteria: ACMG Guidelines, 2015. Collection method: clinical testing. Allele origin: germline.

Labcorp Genetics (formerly Invitae), Labcorp
Classification: Uncertain significance for Nephronophthisis. Last evaluated: 2022-03-04. Review status: criteria provided, single submitter. Criteria: Invitae Variant Classification Sherloc (09022015). Collection method: clinical testing. Allele origin: germline.
Comment: This sequence change replaces phenylalanine, which is neutral and non-polar, with leucine, which is neutral and non-polar, at codon 96 of the INVS protein (p.Phe96Leu). This variant is present in population databases (rs375188577, gnomAD 0.007%). This variant has not been reported in the literature in individuals affected with INVS-related conditions. ClinVar contains an entry for this variant (Variation ID: 912980). Algorithms developed to predict the effect of missense changes on protein structure and function (SIFT, PolyPhen-2, Align-GVGD) all suggest that this variant is likely to be tolerated. In summary, the available evidence is currently insufficient to determine the role of this variant in disease. Therefore, it has been classified as a Variant of Uncertain Significance.

Ambry Genetics
Classification: Uncertain significance for Inborn genetic diseases. Last evaluated: 2022-02-10. Review status: criteria provided, single submitter. Criteria: Ambry Variant Classification Scheme 2023. Collection method: clinical testing. Allele origin: germline.

Illumina Laboratory Services, Illumina
Classification: Uncertain significance for Infantile nephronophthisis. Last evaluated: 2018-01-13. Review status: criteria provided, single submitter. Criteria: ICSL Variant Classification Criteria 13 December 2019. Collection method: clinical testing. Allele origin: germline.